The following is an entry in ClinVar:

ClinVar aggregate classification (germline): Pathogenic/Likely pathogenic. Review status: criteria provided, multiple submitters, no conflicts (2 of 4 stars). 5 submissions from 5 submitters: Pathogenic (3); Likely pathogenic (2). Last evaluated 2026-02-11.

Conditions:
Uterine leiomyoma (UL). Also called: Uterine corpus leiomyoma. Identifiers: MedGen C0042133, MONDO:0007886, OMIM 150699, HP:0000131.
Cutaneous leiomyoma. Identifiers: MedGen C0346064, MONDO:0003291, HP:0007620.
Fumarase deficiency (FMRD). Also called: Fumaric aciduria; Fumarate Hydratase Deficiency. Identifiers: Orphanet 24, MedGen C0342770, MONDO:0011730, OMIM 606812.
Hereditary leiomyomatosis and renal cell cancer. Also called: LEIOMYOMA, MULTIPLE CUTANEOUS; MULTIPLE CUTANEOUS AND UTERINE LEIOMYOMATA 1, WITH OR WITHOUT RENAL CELL CARCINOMA; Reed syndrome; Multiple cutaneous and uterine leiomyomatosis; Cutaneous leiomyomata with uterine leiomyomata; Leiomyoma, hereditary multiple, of skin. Identifiers: Orphanet 523, MedGen C1708350, MONDO:0007888, OMIM 150800, HP:0007437. Disease mechanism: loss of function.

Submissions (5):

Institute of Medical Genetics and Applied Genomics, University Hospital Tübingen
Classification: Pathogenic for Hereditary leiomyomatosis and renal cell cancer. Last evaluated: 2026-02-11. Review status: criteria provided, single submitter. Criteria: ACMG Guidelines, 2015. Collection method: clinical testing. Allele origin: germline. Inheritance: Autosomal dominant inheritance. Affected: yes.

Labcorp Genetics (formerly Invitae), Labcorp
Classification: Pathogenic. Last evaluated: 2025-01-30. Review status: criteria provided, single submitter. Criteria: Invitae Variant Classification Sherloc (09022015). Collection method: clinical testing. Allele origin: germline.
Comment: This sequence change creates a premature translational stop signal (p.Gln108*) in the FH gene. It is expected to result in an absent or disrupted protein product. Loss-of-function variants in FH are known to be pathogenic (PMID: 11865300, 21398687). This variant is not present in population databases (gnomAD no frequency). This premature translational stop signal has been observed in individual(s) with hereditary leiomyomatosis and renal cell cancer (PMID: 36118792). ClinVar contains an entry for this variant (Variation ID: 393560). For these reasons, this variant has been classified as Pathogenic.

Natera, Inc.
Classification: Likely pathogenic for Fumarase Deficiency. Last evaluated: 2024-11-07. Review status: criteria provided, single submitter. Criteria: Natera Variant Classification Schema (03/2026). Collection method: clinical testing. Allele origin: germline.
Comment: The c.322C>T variant in FH is a nonsense variant predicted to introduce a stop codon at amino acid 108. This variant is expected to result in nonsense mediated decay, truncation, or a dysfunctional protein product. This variant is rare in the general population with a frequency below the threshold expected for the associated phenotype(s). Given the available evidence, this variant is classified as Likely Pathogenic.

Genomic Diagnostic Laboratory, Division of Genomic Diagnostics, Children's Hospital of Philadelphia
Classification: Pathogenic for Hereditary leiomyomatosis and renal cell cancer. Last evaluated: 2017-01-17. Review status: criteria provided, single submitter. Criteria: DGD Variant Analysis Guidelines. Collection method: clinical testing. Allele origin: germline. Affected: yes. Observed: 1 variant allele.
Comment: Clinical Testing

Centre for Mendelian Genomics, University Medical Centre Ljubljana
Classification: Likely pathogenic for Cutaneous leiomyoma; Uterine leiomyoma. Last evaluated: 2017-01-01. Review status: criteria provided, single submitter. Criteria: ACMG Guidelines, 2015. Collection method: clinical testing. Allele origin: unknown. Affected: yes.

Literature cited by the submitters: PubMed 11865300 (cited by Labcorp Genetics (formerly Invitae), Labcorp); PubMed 21398687 (cited by Labcorp Genetics (formerly Invitae), Labcorp); PubMed 36118792 (cited by Labcorp Genetics (formerly Invitae), Labcorp).

NM_000143.4(FH):c.322C>T (p.Gln108Ter)

Gene: FH (fumarate hydratase; minus strand). Cytogenetic location: 1q43.
Variant type: single nucleotide variant.
Coding change: c.322C>T on transcript NM_000143.4 (MANE Select); coding-DNA position 322, C replaced by T.
Protein change: p.Gln108Ter; replaces glutamine 108 with a stop codon.
Molecular consequence: nonsense.
Genome position (GRCh38, 1-based): chr1:241,513,659, G>A on the plus strand (C>T on the coding strand, the complement: FH is on the minus strand). VCF-style: chr1-241513659-G-A. GRCh37 (hg19) VCF-style: chr1-241676959-G-A.
Other names: short protein forms Q108*.
Identifiers: ClinVar variation 393560 (VCV000393560.9), dbSNP rs1060499630, ClinGen allele CA16609377.